The following is an entry in ClinVar:

ClinVar aggregate classification (germline): Uncertain significance (1 of 4 stars; one submission).

Conditions:
Inborn genetic diseases. Identifiers: MedGen C0950123, MeSH D030342.

Submission:

Ambry Genetics
Classification: Uncertain significance for Inborn genetic diseases. Last evaluated: 2026-04-20. Review status: criteria provided, single submitter. Criteria: Ambry Variant Classification Scheme 2023. Collection method: clinical testing. Allele origin: germline.
Comment: The p.H1030R variant (also known as c.3089A>G), located in coding exon 23 of the BUB1B gene, results from an A to G substitution at nucleotide position 3089. The histidine at codon 1030 is replaced by arginine, an amino acid with highly similar properties. This amino acid position is conserved. In addition, this alteration is predicted to be tolerated by in silico analysis. Based on the available evidence, the clinical significance of this variant remains unclear.

NM_001211.6(BUB1B):c.3089A>G (p.His1030Arg)

Genes: BUB1B (BUB1 mitotic checkpoint serine/threonine kinase B; plus strand), BUB1B-PAK6 (BUB1B-PAK6 readthrough; plus strand). Cytogenetic location: 15q15.1.
Variant type: single nucleotide variant.
Coding change: c.3089A>G on transcript NM_001211.6 (MANE Select); coding-DNA position 3089, A replaced by G.
Protein change: p.His1030Arg; replaces histidine 1030 with arginine.
Molecular consequence: missense variant. On other transcripts: intron variant (2).
Genome position (GRCh38, 1-based): chr15:40,220,695, A>G. VCF-style: chr15-40220695-A-G. GRCh37 (hg19) VCF-style: chr15-40512896-A-G.
Other names: c.-201+3028A>G (NM_001128628.3); c.-118+3028A>G (NM_001128629.3); short protein forms H1030R.
Identifiers: ClinVar variation 4867997 (VCV004867997.1).
Genomic context (GRCh38, chr15:40,220,695, plus strand): 5'-CTGTTCTTGGGGAGCTTGCAGCAGAAATGAATGGGGTTTTTGACACTACATTCCAAAGTC[A>G]CCTGAACAAAGCCTTATGGAAGGTAGGGAAGTTAACTAGTCCTGGGGCTTTGCTCTTTCA-3'
Protein context (NP_001202.5, residues 1020-1040): NGVFDTTFQS[His1030Arg]LNKALWKVGK